The following is an entry in ClinVar:

NM_005618.4(DLL1):c.1186G>A (p.Gly396Ser)

Gene: DLL1 (delta like canonical Notch ligand 1; minus strand). Cytogenetic location: 6q27.
Variant type: single nucleotide variant.
Coding change: c.1186G>A on transcript NM_005618.4 (MANE Select); coding-DNA position 1186, G replaced by A.
Protein change: p.Gly396Ser; replaces glycine 396 with serine.
Molecular consequence: missense variant.
Genome position (GRCh38, 1-based): chr6:170,284,982, C>T on the plus strand (G>A on the coding strand, the complement: DLL1 is on the minus strand). VCF-style: chr6-170284982-C-T. GRCh37 (hg19) VCF-style: chr6-170594070-C-T.
Other names: short protein forms G396S.
Identifiers: ClinVar variation 4241202 (VCV004241202.2).

ClinVar aggregate classification (germline): Uncertain significance. Review status: criteria provided, multiple submitters, no conflicts (2 of 4 stars). 2 submissions from 2 submitters: Uncertain significance (2). Last evaluated 2025-09-24.

Conditions:
Inborn genetic diseases. Identifiers: MedGen C0950123, MeSH D030342.

Submissions (2):

Labcorp Genetics (formerly Invitae), Labcorp
Classification: Uncertain significance. Last evaluated: 2025-09-24. Review status: criteria provided, single submitter. Criteria: Invitae Variant Classification Sherloc (09022015). Collection method: clinical testing. Allele origin: germline.
Comment: This sequence change replaces glycine, which is neutral and non-polar, with serine, which is neutral and polar, at codon 396 of the DLL1 protein (p.Gly396Ser). This variant is not present in population databases (gnomAD no frequency). This variant has not been reported in the literature in individuals affected with DLL1-related conditions. An algorithm developed to predict the effect of missense changes on protein structure and function (PolyPhen-2) suggests that this variant is likely to be disruptive. In summary, the available evidence is currently insufficient to determine the role of this variant in disease. Therefore, it has been classified as a Variant of Uncertain Significance.

Ambry Genetics
Classification: Uncertain significance for Inborn genetic diseases. Last evaluated: 2025-08-31. Review status: criteria provided, single submitter. Criteria: Ambry Variant Classification Scheme 2023. Collection method: clinical testing. Allele origin: germline.